The following is an entry in ClinVar:

NM_001042492.3(NF1):c.3244G>C (p.Gly1082Arg)

Gene: NF1 (neurofibromin 1; plus strand). Cytogenetic location: 17q11.2.
Variant type: single nucleotide variant.
Coding change: c.3244G>C on transcript NM_001042492.3 (MANE Select); coding-DNA position 3244, G replaced by C.
Protein change: p.Gly1082Arg; replaces glycine 1082 with arginine.
Molecular consequence: missense variant.
Genome position (GRCh38, 1-based): chr17:31,232,119, G>C. VCF-style: chr17-31232119-G-C. GRCh37 (hg19) VCF-style: chr17-29559137-G-C.
Other names: c.3244G>C, p.Gly1082Arg (NM_000267.4); short protein forms G1082R.
Identifiers: ClinVar variation 1036430 (VCV001036430.5), dbSNP rs2067123009, ClinGen allele CA398988776.

ClinVar aggregate classification (germline): Uncertain significance (1 of 4 stars; one submission).

Conditions:
Neurofibromatosis, type 1 (NF1). Also called: NEUROFIBROMATOSIS, TYPE I, SOMATIC; VON RECKLINGHAUSEN DISEASE; Peripheral type neurofibromatosis; Neurofibromatosis, type I. Identifiers: Orphanet 636, MedGen C0027831, MONDO:0018975, OMIM 162200. Disease mechanism: loss of function.

Submission:

Labcorp Genetics (formerly Invitae), Labcorp
Classification: Uncertain significance for Neurofibromatosis, type 1. Last evaluated: 2020-07-20. Review status: criteria provided, single submitter. Criteria: Invitae Variant Classification Sherloc (09022015). Collection method: clinical testing. Allele origin: germline.
Comment: This variant has not been reported in the literature in individuals with NF1-related conditions. This sequence change replaces glycine with arginine at codon 1082 of the NF1 protein (p.Gly1082Arg). The glycine residue is moderately conserved and there is a moderate physicochemical difference between glycine and arginine. This variant is not present in population databases (ExAC no frequency). Advanced modeling of protein sequence and biophysical properties (such as structural, functional, and spatial information, amino acid conservation, physicochemical variation, residue mobility, and thermodynamic stability) performed at Invitae indicates that this missense variant is expected to disrupt NF1 protein function. In summary, the available evidence is currently insufficient to determine the role of this variant in disease. Therefore, it has been classified as a Variant of Uncertain Significance.